The following is an entry in ClinVar:

NM_206933.4(USH2A):c.3371A>G (p.Tyr1124Cys)

Genes: USH2A (usherin; minus strand), USH2A-AS1 (USH2A antisense RNA 1; plus strand). Cytogenetic location: 1q41.
Variant type: single nucleotide variant.
Coding change: c.3371A>G on transcript NM_206933.4 (MANE Select); coding-DNA position 3371, A replaced by G.
Protein change: p.Tyr1124Cys; replaces tyrosine 1124 with cysteine.
Molecular consequence: missense variant.
Genome position (GRCh38, 1-based): chr1:216,200,067, T>C on the plus strand (A>G on the coding strand, the complement: USH2A is on the minus strand). VCF-style: chr1-216200067-T-C. GRCh37 (hg19) VCF-style: chr1-216373409-T-C.
Other names: c.3371A>G, p.Tyr1124Cys (NM_007123.6); short protein forms Y1124C.
Identifiers: ClinVar variation 2095891 (VCV002095891.4), dbSNP rs1156460586, ClinGen allele CA344868935.

ClinVar aggregate classification (germline): Uncertain significance (1 of 4 stars; one submission).

Submission:

Labcorp Genetics (formerly Invitae), Labcorp
Classification: Uncertain significance. Last evaluated: 2022-02-10. Review status: criteria provided, single submitter. Criteria: Invitae Variant Classification Sherloc (09022015). Collection method: clinical testing. Allele origin: germline.
Comment: This sequence change replaces tyrosine, which is neutral and polar, with cysteine, which is neutral and slightly polar, at codon 1124 of the USH2A protein (p.Tyr1124Cys). This variant is not present in population databases (gnomAD no frequency). This variant has not been reported in the literature in individuals affected with USH2A-related conditions. Algorithms developed to predict the effect of missense changes on protein structure and function are either unavailable or do not agree on the potential impact of this missense change (SIFT: "Deleterious"; PolyPhen-2: "Possibly Damaging"; Align-GVGD: "Class C0"). In summary, the available evidence is currently insufficient to determine the role of this variant in disease. Therefore, it has been classified as a Variant of Uncertain Significance.